The following is an entry in ClinVar:

NM_001372.4(DNAH9):c.10637del (p.Asn3546fs)

Genes: DNAH9 (dynein axonemal heavy chain 9; plus strand), LOC101928350 (uncharacterized LOC101928350; minus strand). Cytogenetic location: 17p12.
Variant type: Deletion.
Coding change: c.10637del on transcript NM_001372.4 (MANE Select); coding-DNA position 10637, one base deleted (A; older notation c.10637delA).
Protein change: p.Asn3546fs; shifts the reading frame from asparagine 3546.
Molecular consequence: frameshift variant.
Genome position (GRCh38, 1-based): chr17:11,881,244, A deleted; the last of 2 consecutive A bases (chr17:11,881,243-11,881,244); deleting either gives the same sequence. VCF-style (leftmost placement, unchanged base first): chr17-11881242-CA-C. GRCh37 (hg19) VCF-style: chr17-11784559-CA-C.
Other names: short protein forms N3546fs.
Identifiers: ClinVar variation 2810098 (VCV002810098.3), dbSNP rs2544816519, ClinGen allele CA2739267154.

ClinVar aggregate classification (germline): Pathogenic (1 of 4 stars; one submission).

Submission:

Labcorp Genetics (formerly Invitae), Labcorp
Classification: Pathogenic. Last evaluated: 2023-03-08. Review status: criteria provided, single submitter. Criteria: Invitae Variant Classification Sherloc (09022015). Collection method: clinical testing. Allele origin: germline.
Comment: This sequence change creates a premature translational stop signal (p.Asn3546Ilefs*27) in the DNAH9 gene. It is expected to result in an absent or disrupted protein product. Loss-of-function variants in DNAH9 are known to be pathogenic (PMID: 30471718). This variant is not present in population databases (gnomAD no frequency). This variant has not been reported in the literature in individuals affected with DNAH9-related conditions. For these reasons, this variant has been classified as Pathogenic.

Literature cited by the submitters: PubMed 30471718.